The following is an entry in ClinVar:

NM_007294.4(BRCA1):c.1755A>T (p.Glu585Asp)

Gene: BRCA1 (BRCA1 DNA repair associated; minus strand). Cytogenetic location: 17q21.31.
Variant type: single nucleotide variant.
Coding change: c.1755A>T on transcript NM_007294.4 (MANE Select); coding-DNA position 1755, A replaced by T.
Protein change: p.Glu585Asp; replaces glutamic acid 585 with aspartic acid.
Molecular consequence: missense variant. On other transcripts: intron variant (137).
Genome position (GRCh38, 1-based): chr17:43,093,776, T>A on the plus strand (A>T on the coding strand, the complement: BRCA1 is on the minus strand). VCF-style: chr17-43093776-T-A. GRCh37 (hg19) VCF-style: chr17-41245793-T-A.
Other names: c.1755A>T, p.Glu585Asp (NM_001407616.1, NM_001407617.1, NM_001407619.1 and 30 more transcripts); c.1542A>T, p.Glu514Asp (NM_001407571.1, NM_001407853.1, NM_001407894.1 and 9 more transcripts); c.1752A>T, p.Glu584Asp (NM_001407587.1, NM_001407590.1, NM_001407591.1 and 22 more transcripts); c.1746A>T, p.Glu582Asp (NM_001407646.1, NM_001407647.1); c.1632A>T, p.Glu544Asp (NM_001407648.1, NM_001407664.1, NM_001407665.1 and 19 more transcripts); c.1629A>T, p.Glu543Asp (NM_001407649.1, NM_001407670.1, NM_001407671.1 and 11 more transcripts); c.1677A>T, p.Glu559Asp (NM_001407653.1, NM_001407654.1, NM_001407655.1 and 4 more transcripts); c.1674A>T, p.Glu558Asp (NM_001407659.1, NM_001407660.1, NM_001407661.1 and 1 more transcripts); and 40 more; short protein forms E417D, E497D, E514D, E543D, E559D, E474D, E496D, E518D.
Identifiers: ClinVar variation 2565356 (VCV002565356.2), dbSNP rs2154426039, ClinGen allele CA10598518.
Genomic context (GRCh38, chr17:43,093,776, plus strand): 5'-TGCTTTTGAATTGTGGATATTTAATTCGAGTTCCATATTGCTTATACTGCTGCTTATAGG[T>A]TCAGCTTTCGTTTTGAAAGCAGATTCTTTTTCGAGTGATTCTATTGGGTTAGGATTTTTC-3'
Protein context (NP_009225.1, residues 575-595): EKESAFKTKA[Glu585Asp]PISSSISNME

ClinVar aggregate classification (germline): Uncertain significance (1 of 4 stars; one submission).

Conditions:
Hereditary cancer-predisposing syndrome. Also called: Neoplastic Syndromes, Hereditary; Hereditary Cancer Syndrome; Hereditary neoplastic syndrome; Tumor predisposition. Identifiers: Orphanet 140162, MedGen C0027672, MeSH D009386, MONDO:0015356.

Submission:

Ambry Genetics
Classification: Uncertain significance for Hereditary cancer-predisposing syndrome. Last evaluated: 2023-05-16. Review status: criteria provided, single submitter. Criteria: Ambry Variant Classification Scheme 2023. Collection method: clinical testing. Allele origin: germline.
Comment: The p.E585D variant (also known as c.1755A>T), located in coding exon 9 of the BRCA1 gene, results from an A to T substitution at nucleotide position 1755. The glutamic acid at codon 585 is replaced by aspartic acid, an amino acid with highly similar properties. This amino acid position is well conserved in available vertebrate species. In addition, the in silico prediction for this alteration is inconclusive. Since supporting evidence is limited at this time, the clinical significance of this alteration remains unclear.